The following is an entry in ClinVar:

NM_020461.4(TUBGCP6):c.876C>T (p.Ser292=)

Gene: TUBGCP6 (tubulin gamma complex component 6; minus strand). Cytogenetic location: 22q13.33.
Variant type: single nucleotide variant.
Coding change: c.876C>T on transcript NM_020461.4 (MANE Select); coding-DNA position 876, C replaced by T.
Protein change: p.Ser292=; no amino-acid change (serine 292 retained).
Molecular consequence: synonymous variant.
Genome position (GRCh38, 1-based): chr22:50,240,233, G>A on the plus strand (C>T on the coding strand, the complement: TUBGCP6 is on the minus strand). VCF-style: chr22-50240233-G-A. GRCh37 (hg19) VCF-style: chr22-50678662-G-A.
Identifiers: ClinVar variation 968414 (VCV000968414.9), dbSNP rs2064823400, ClinGen allele CA515243913.
Genomic context (GRCh38, chr22:50,240,233, plus strand): 5'-ACTGCATGCCAAGGCAAAGAAGGGCACACACCAGCCAACTCGCTCCCAGCACCTCCGCTT[G>A]CTGGCCTCATAGGTAAGTGCGGCTTCCCACAGGTCCACGTCTGGGGTCACGCTGGGCTCA-3'
Protein context (NP_065194.3, residues 282-302): LWEAALTYEA[Ser292=]KRRCWERVGC

ClinVar aggregate classification (germline): Uncertain significance (1 of 4 stars; one submission).

Submission:

Labcorp Genetics (formerly Invitae), Labcorp
Classification: Uncertain significance. Last evaluated: 2020-07-30. Review status: criteria provided, single submitter. Criteria: Invitae Variant Classification Sherloc (09022015). Collection method: clinical testing. Allele origin: germline.
Comment: Algorithms developed to predict the effect of sequence changes on RNA splicing suggest that this variant may create or strengthen a splice site, but this prediction has not been confirmed by published transcriptional studies. This variant has not been reported in the literature in individuals with TUBGCP6-related conditions. This variant is not present in population databases (ExAC no frequency). This sequence change affects codon 292 of the TUBGCP6 mRNA. It is a 'silent' change, meaning that it does not change the encoded amino acid sequence of the TUBGCP6 protein. In summary, the available evidence is currently insufficient to determine the role of this variant in disease. Therefore, it has been classified as a Variant of Uncertain Significance.